The following is an entry in ClinVar:

ClinVar aggregate classification (germline): Uncertain significance (1 of 4 stars; one submission).

Conditions:
SEMA3F-related disorder. Also called: SEMA3F-related condition.

Submission:

PreventionGenetics, part of Exact Sciences
Classification: Uncertain significance for SEMA3F-related condition. Last evaluated: 2026-04-21. Review status: criteria provided, single submitter. Criteria: ACMG Guidelines, 2015. Collection method: clinical testing. Allele origin: germline.
Comment: The SEMA3F c.2086G>A variant is predicted to result in the amino acid substitution p.Val696Ile. To our knowledge, this variant has not been reported in the literature. This variant is reported in 0.00089% of alleles in individuals of European (Non-Finnish) descent in gnomAD. At this time, the clinical significance of this variant is uncertain due to the absence of conclusive functional and genetic evidence.

NM_004186.5(SEMA3F):c.2086G>A (p.Val696Ile)

Gene: SEMA3F (semaphorin 3F; plus strand). Cytogenetic location: 3p21.31.
Variant type: single nucleotide variant.
Coding change: c.2086G>A on transcript NM_004186.5 (MANE Select); coding-DNA position 2086, G replaced by A.
Protein change: p.Val696Ile; replaces valine 696 with isoleucine.
Molecular consequence: missense variant.
Genome position (GRCh38, 1-based): chr3:50,187,843, G>A. VCF-style: chr3-50187843-G-A. GRCh37 (hg19) VCF-style: chr3-50225276-G-A.
Other names: c.1789G>A, p.Val597Ile (NM_001318798.2); c.1993G>A, p.Val665Ile (NM_001318800.2); short protein forms V696I, V597I, V665I.
Identifiers: ClinVar variation 4981441 (VCV004981441.1).